The following is an entry in ClinVar:

ClinVar aggregate classification (germline): Uncertain significance. Review status: criteria provided, multiple submitters, no conflicts (2 of 4 stars). 2 submissions from 2 submitters: Uncertain significance (2). Last evaluated 2025-07-16.

Conditions:
Autosomal recessive distal spinal muscular atrophy 1. Also called: NEURONOPATHY, SEVERE INFANTILE AXONAL, WITH RESPIRATORY FAILURE; SEVERE INFANTILE AXONAL NEUROPATHY WITH RESPIRATORY FAILURE; SPINAL MUSCULAR ATROPHY, DIAPHRAGMATIC; Spinal muscular atrophy with respiratory distress 1; HMN VI; NEURONOPATHY, DISTAL HEREDITARY MOTOR, HARDING TYPE VI. Identifiers: Orphanet 98920, MedGen C1858517, MONDO:0011436, OMIM 604320.
Charcot-Marie-Tooth disease axonal type 2S. Also called: CHARCOT-MARIE-TOOTH NEUROPATHY, TYPE 2S; CHARCOT-MARIE-TOOTH DISEASE, AXONAL, AUTOSOMAL RECESSIVE, TYPE 2S. Identifiers: Orphanet 443073, MedGen C4015349, MONDO:0014511, OMIM 616155.

Submissions (2):

Mayo Clinic Laboratories, Mayo Clinic
Classification: Uncertain significance. Last evaluated: 2025-07-16. Review status: criteria provided, single submitter. Criteria: ACMG Guidelines, 2015. Collection method: clinical testing. Allele origin: germline. Observed: 1 variant allele.
Comment: BP4, PM2_supporting

Labcorp Genetics (formerly Invitae), Labcorp
Classification: Uncertain significance for Autosomal recessive distal spinal muscular atrophy 1; Charcot-Marie-Tooth disease axonal type 2S. Last evaluated: 2022-06-19. Review status: criteria provided, single submitter. Criteria: Invitae Variant Classification Sherloc (09022015). Collection method: clinical testing. Allele origin: germline.
Comment: This sequence change replaces glutamic acid, which is acidic and polar, with glutamine, which is neutral and polar, at codon 718 of the IGHMBP2 protein (p.Glu718Gln). This variant is not present in population databases (gnomAD no frequency). In summary, the available evidence is currently insufficient to determine the role of this variant in disease. Therefore, it has been classified as a Variant of Uncertain Significance. Advanced modeling of protein sequence and biophysical properties (such as structural, functional, and spatial information, amino acid conservation, physicochemical variation, residue mobility, and thermodynamic stability) performed at Invitae indicates that this missense variant is not expected to disrupt IGHMBP2 protein function. This variant has not been reported in the literature in individuals affected with IGHMBP2-related conditions.

NM_002180.3(IGHMBP2):c.2152G>C (p.Glu718Gln)

Gene: IGHMBP2 (immunoglobulin mu DNA binding protein 2; plus strand). Cytogenetic location: 11q13.3.
Variant type: single nucleotide variant.
Coding change: c.2152G>C on transcript NM_002180.3 (MANE Select); coding-DNA position 2152, G replaced by C.
Protein change: p.Glu718Gln; replaces glutamic acid 718 with glutamine.
Molecular consequence: missense variant.
Genome position (GRCh38, 1-based): chr11:68,936,632, G>C. VCF-style: chr11-68936632-G-C. GRCh37 (hg19) VCF-style: chr11-68704100-G-C.
Other names: p.Glu718Gln; short protein forms E718Q.
Identifiers: ClinVar variation 1983896 (VCV001983896.5), dbSNP rs2496073275, ClinGen allele CA381652913.
Genomic context (GRCh38, chr11:68,936,632, plus strand): 5'-GCTGGGAAGTCTCTGGCCTCTGAAGCTCCATCTCAGCCCAGCCTCAACGGAGGCAGCCCA[G>C]AGGGAGTGGAGAGCCAAGATGGCGTGGACCACTTCCGGGCCATGATAGTGGAGTTCATGG-3'
Protein context (NP_002171.2, residues 708-728): SQPSLNGGSP[Glu718Gln]GVESQDGVDH